The following is an entry in ClinVar:

ClinVar aggregate classification (germline): Conflicting classifications of pathogenicity. Review status: criteria provided, conflicting classifications (1 of 4 stars). 11 submissions from 11 submitters: Pathogenic (1); Likely pathogenic (5); Uncertain significance (5). Last evaluated 2026-08-03.

Conditions:
GALNS-related disorder. Also called: GALNS-related condition.
Morquio syndrome. Also called: Mucopolysaccharidosis, Type IV; MPS IV; Mucopolysaccharidosis type 4; Eccentrochondrodysplasia. Identifiers: Orphanet 582, MedGen C0026707, MONDO:0018938.
Mucopolysaccharidosis, MPS-IV-A (MPS4A). Also called: MORQUIO A DISEASE; MORQUIO SYNDROME A; mucopolysaccharidosis type 4A; Morquio syndrome A, mild; GALACTOSAMINE-6-SULFATASE DEFICIENCY; GALNS DEFICIENCY. Identifiers: Orphanet 309297, Orphanet 582, MedGen C0086651, MONDO:0009659, OMIM 253000.

Allele frequency attached by ClinVar (database versions not stated): TOPMed 0.00001; gnomAD 0.00002 and 0.00003; gnomAD exomes 0.00002 and 0.00006; ExAC 0.00006.

Submissions (11):

Genelabs Medical  (pvt) Ltd
Classification: Likely pathogenic for Mucopolysaccharidosis, MPS-IV-A. Last evaluated: 2026-08-03. Review status: criteria provided, single submitter. Criteria: ACMG Guidelines, 2015. Collection method: clinical testing. Allele origin: germline. Inheritance: Autosomal recessive inheritance. Affected: yes. Observed: 1 compound heterozygote.
Comment: The missense variant NM_000512.5(GALNS):c.986A>C (p.His329Pro) is rare in population databases, observed in 31 out of 91,048 alleles (allele frequency 0.0003405), supporting its low frequency. This nucleotide substitution results in a histidine-to-proline change at codon 329 and is located within the Sulfatase, N-terminal domain (IPR000917), a functionally important region of GALNS. Notably, multiple pathogenic or likely pathogenic missense variants cluster in exon 9, with no benign variants reported, supporting regional intolerance to variation. The variant has been observed in trans with another likely pathogenic variant (c.299C>T) in at least one affected individual (PMID: 25252036). In silico prediction tools also support a deleterious effect, with a high REVEL score of 0.888. Based on the cumulative evidence, this variant is classified as Likely Pathogenic. (PM1, PM2_Supporting, PM3, PP3_Moderate)

PreventionGenetics, part of Exact Sciences
Classification: Uncertain significance for GALNS-related condition. Last evaluated: 2026-02-12. Review status: criteria provided, single submitter. Criteria: ACMG Guidelines, 2015. Collection method: clinical testing. Allele origin: germline.
Comment: The GALNS c.986A>C variant is predicted to result in the amino acid substitution p.His329Pro. This variant has been reported in the compound heterozygous state with causative variant in an individual with mucopolysaccharidosis IVa (MPS IVA) with a reduced leukocyte GALNS enzyme activity of 0.39 nmol/17hr/mg protein, where the normal range is 40-170 nmol/17hr/mg protein (Table 1, Table S2, Bidchol et al. 2014. PubMed ID: 25252036). This variant is reported in 0.046% of alleles in individuals of South Asian descent in gnomAD. In gnomAD v4 (available only on GRCh38) this variant was observed in one homozygous individual. It has conflicting classifications listed in ClinVar ranging from uncertain to pathogenic (ClinVar ID: 1045364). An alternate missense at the same amino acid position, p.His329Asn, has been reported in the compound heterozygous state in a newborn with positive newborn screening for MPS IVA (Table S5, Zanetti et al. 2021. PubMed ID: 34387910). Although we suspect that the p.His329Pro variant may be pathogenic, at this time, the clinical significance of this variant is uncertain due to the absence of conclusive functional and genetic evidence.

Fulgent Genetics
Classification: Likely pathogenic for Mucopolysaccharidosis, MPS-IV-A. Last evaluated: 2024-05-25. Review status: criteria provided, single submitter. Criteria: ACMG Guidelines, 2015. Collection method: clinical testing. Allele origin: germline.

Labcorp Genetics (formerly Invitae), Labcorp
Classification: Likely pathogenic for Mucopolysaccharidosis, MPS-IV-A. Last evaluated: 2024-02-23. Review status: criteria provided, single submitter. Criteria: Invitae Variant Classification Sherloc (09022015). Collection method: clinical testing. Allele origin: germline.
Comment: This sequence change replaces histidine, which is basic and polar, with proline, which is neutral and non-polar, at codon 329 of the GALNS protein (p.His329Pro). This variant is present in population databases (rs760892654, gnomAD 0.05%). This missense change has been observed in individual(s) with mucopolysaccharidosis type IVA (PMID: 25252036). ClinVar contains an entry for this variant (Variation ID: 1045364). Advanced modeling of protein sequence and biophysical properties (such as structural, functional, and spatial information, amino acid conservation, physicochemical variation, residue mobility, and thermodynamic stability) performed at Invitae indicates that this missense variant is expected to disrupt GALNS protein function with a positive predictive value of 95%. This variant disrupts the p.His329 amino acid residue in GALNS. Other variant(s) that disrupt this residue have been observed in individuals with GALNS-related conditions (PMID: 34387910), which suggests that this may be a clinically significant amino acid residue. In summary, the currently available evidence indicates that the variant is pathogenic, but additional data are needed to prove that conclusively. Therefore, this variant has been classified as Likely Pathogenic.

Women's Health and Genetics/Laboratory Corporation of America, LabCorp
Classification: Likely pathogenic for Morquio syndrome. Last evaluated: 2023-12-15. Review status: criteria provided, single submitter. Criteria: LabCorp Variant Classification Summary - May 2015. Collection method: clinical testing. Allele origin: germline.
Comment: Variant summary: GALNS c.986A>C (p.His329Pro) results in a non-conservative amino acid change located in the Sulfatase, N-terminal domain (IPR000917) of the encoded protein sequence. Four of five in-silico tools predict a damaging effect of the variant on protein function. The variant allele was found at a frequency of 5.6e-05 in 249854 control chromosomes (gnomAD). This frequency is not significantly higher than estimated for a pathogenic variant in GALNS causing Mucopolysaccharidosis Type IVA (Morquio Syndrome A) (5.6e-05 vs 0.002), allowing no conclusion about variant significance. c.986A>C has been reported in the literature in individuals affected with Mucopolysaccharidosis Type IVA (Morquio Syndrome A; Bidchol_2014, Uttarilli_2019). These data indicate that the variant is likely to be associated with disease. To our knowledge, no experimental evidence demonstrating an impact on protein function has been reported. The following publications have been ascertained in the context of this evaluation (PMID: 25252036, 30408610). Four submitters have cited clinical-significance assessments for this variant to ClinVar after 2014, and classified it as pathogenic (n=1) or uncertain significance (n=3). Based on the evidence outlined above, the variant was classified as likely pathogenic.

Blueprint Genetics
Classification: Uncertain significance. Last evaluated: 2023-09-13. Review status: criteria provided, single submitter. Criteria: ACMG Guidelines, 2015. Collection method: clinical testing. Allele origin: germline.

Neuberg Centre For Genomic Medicine, NCGM
Classification: Likely pathogenic for Mucopolysaccharidosis, MPS-IV-A. Last evaluated: 2023-06-22. Review status: criteria provided, single submitter. Criteria: ACMG Guidelines, 2015. Collection method: clinical testing. Allele origin: germline. Inheritance: Autosomal recessive inheritance. Affected: yes.
Comment: The missense c.986A>C(p.His329Pro) variant in GALNS gene has been reported in compound heterozygous state in individuals affected with Mucopolysaccharidosis IVA (Bidchol et. al., 2014). The observed variant has allele frequency of 0.006% in gnomAD exomes database. This variant has been submitted to the ClinVar database as Pathogenic / Uncertain Significance (multiple submissions). Multiple lines of computational evidence (Polyphen - possibly damaging , SIFT - tolerated and MutationTaster - disease causing) predicts conflicting evidence on protein structure and function for this variant. The reference amino acid change p.His329Pro in GALNS is predicted as conserved by GERP++ and PhyloP across 100 vertebrates. The amino acid His at position 329 is changed to a Pro changing protein sequence and it might alter its composition and physico-chemical properties. For these reasons, this variant has been classified as Uncertain Significance (VUS).

Revvity Omics, Revvity
Classification: Uncertain significance for Mucopolysaccharidosis, MPS-IV-A. Last evaluated: 2023-02-09. Review status: criteria provided, single submitter. Criteria: ACMG Guidelines, 2015. Collection method: clinical testing. Allele origin: germline.

Kasturba Medical College, Manipal, Kasturba Medical College, Manipal, Manipal Academy of Higher Education, Manipal, India
Classification: Pathogenic for Mucopolysaccharidosis, MPS-IV-A. Last evaluated: 2022-05-09. Review status: criteria provided, single submitter. Criteria: ACMG Guidelines, 2015. Collection method: clinical testing. Allele origin: germline. Affected: yes. Observed: 3 variant alleles.

Genome-Nilou Lab
Classification: Uncertain significance for Mucopolysaccharidosis, MPS-IV-A. Last evaluated: 2021-11-07. Review status: criteria provided, single submitter. Criteria: ACMG Guidelines, 2015. Collection method: clinical testing. Allele origin: germline. Affected: no.

Laboratory of Diagnosis and Therapy of Lysosomal Disorders, University of Padova
Classification: Uncertain significance for Mucopolysaccharidosis, MPS-IV-A. Last evaluated: 2021-02-01. Review status: criteria provided, single submitter. Criteria: ACMG Guidelines, 2015. Collection method: curation. Allele origin: germline. Affected: yes.
Comment: Very low frequency in gnomAD v2.1.1 (PM2_moderate); multiple lines of computational evidence support a deleterious effect on the gene (PP3_supporting)

Literature cited by the submitters: PubMed 25252036 (cited by 4 submitters); PubMed 34387910 (cited by Labcorp Genetics (formerly Invitae), Labcorp and Laboratory of Diagnosis and Therapy of Lysosomal Disorders, University of Padova); PubMed 30408610 (cited by Women's Health and Genetics/Laboratory Corporation of America, LabCorp).

NM_000512.5(GALNS):c.986A>C (p.His329Pro)

Gene: GALNS (galactosamine (N-acetyl)-6-sulfatase; minus strand). Cytogenetic location: 16q24.3.
Variant type: single nucleotide variant.
Coding change: c.986A>C on transcript NM_000512.5 (MANE Select); coding-DNA position 986, A replaced by C.
Protein change: p.His329Pro; replaces histidine 329 with proline.
Molecular consequence: missense variant.
Genome position (GRCh38, 1-based): chr16:88,832,014, T>G on the plus strand (A>C on the coding strand, the complement: GALNS is on the minus strand). VCF-style: chr16-88832014-T-G. GRCh37 (hg19) VCF-style: chr16-88898422-T-G.
Other names: c.431A>C, p.His144Pro (NM_001323543.2); c.1004A>C, p.His335Pro (NM_001323544.2); c.986A>C (NM_000512.4); short protein forms H144P, H329P, H335P.
Identifiers: ClinVar variation 1045364 (VCV001045364.23), dbSNP rs760892654, ClinGen allele CA8234885.